The following is an entry in ClinVar:

ClinVar aggregate classification (germline): Uncertain significance (1 of 4 stars; one submission).

Submission:

GeneDx
Classification: Uncertain significance. Last evaluated: 2024-12-02. Review status: criteria provided, single submitter. Criteria: GeneDx Variant Classification Process June 2021. Collection method: clinical testing. Allele origin: germline. Affected: yes.
Comment: Not observed at significant frequency in large population cohorts (gnomAD); In silico analysis indicates that this missense variant does not alter protein structure/function; Has not been previously published as pathogenic or benign to our knowledge

NM_015057.5(MYCBP2):c.1363C>T (p.His455Tyr)

Gene: MYCBP2 (MYC binding protein 2; minus strand). Cytogenetic location: 13q22.3.
Variant type: single nucleotide variant.
Coding change: c.1363C>T on transcript NM_015057.5 (MANE Select); coding-DNA position 1363, C replaced by T.
Protein change: p.His455Tyr; replaces histidine 455 with tyrosine.
Molecular consequence: missense variant.
Genome position (GRCh38, 1-based): chr13:77,263,997, G>A on the plus strand (C>T on the coding strand, the complement: MYCBP2 is on the minus strand). VCF-style: chr13-77263997-G-A. GRCh37 (hg19) VCF-style: chr13-77838132-G-A.
Other names: short protein forms H455Y.
Identifiers: ClinVar variation 3900948 (VCV003900948.1).